The following is an entry in ClinVar:

NM_000784.4(CYP27A1):c.614T>C (p.Met205Thr)

Gene: CYP27A1 (cytochrome P450 family 27 subfamily A member 1; plus strand). Cytogenetic location: 2q35.
Variant type: single nucleotide variant.
Coding change: c.614T>C on transcript NM_000784.4 (MANE Select); coding-DNA position 614, T replaced by C.
Protein change: p.Met205Thr; replaces methionine 205 with threonine.
Molecular consequence: missense variant.
Genome position (GRCh38, 1-based): chr2:218,812,389, T>C. VCF-style: chr2-218812389-T-C. GRCh37 (hg19) VCF-style: chr2-219677112-T-C.
Other names: short protein forms M205T.
Identifiers: ClinVar variation 1028373 (VCV001028373.1), dbSNP rs1943727741, ClinGen allele CA350585505.

ClinVar aggregate classification (germline): Uncertain significance (1 of 4 stars; one submission).

Conditions:
Cholestanol storage disease (CTX). Also called: CEREBRAL CHOLESTERINOSIS; CTX: Cerebrotendinous xanthomatosis; Cerebrotendinous Xanthomatosis. Identifiers: Orphanet 909, MedGen C0238052, MONDO:0008948, OMIM 213700.

Submission:

Baylor Genetics
Classification: Uncertain significance for Cholestanol storage disease. Last evaluated: 2019-06-21. Review status: criteria provided, single submitter. Criteria: ACMG Guidelines, 2015. Collection method: clinical testing. Allele origin: de novo. Affected: yes.
Comment: This variant was determined to be of uncertain significance according to ACMG Guidelines, 2015 [PMID:25741868].